The following is an entry in ClinVar:

NM_000038.6(APC):c.5156A>C (p.Glu1719Ala)

Gene: APC (APC regulator of Wnt signaling pathway; plus strand). Cytogenetic location: 5q22.2.
Variant type: single nucleotide variant.
Coding change: c.5156A>C on transcript NM_000038.6 (MANE Select); coding-DNA position 5156, A replaced by C.
Protein change: p.Glu1719Ala; replaces glutamic acid 1719 with alanine.
Molecular consequence: missense variant.
Genome position (GRCh38, 1-based): chr5:112,840,750, A>C. VCF-style: chr5-112840750-A-C. GRCh37 (hg19) VCF-style: chr5-112176447-A-C.
Other names: c.5156A>C, p.Glu1719Ala (NM_001127510.3, NM_001354895.2); c.5102A>C, p.Glu1701Ala (NM_001127511.3); c.5210A>C, p.Glu1737Ala (NM_001354896.2); c.5186A>C, p.Glu1729Ala (NM_001354897.2); c.5081A>C, p.Glu1694Ala (NM_001354898.2); c.5072A>C, p.Glu1691Ala (NM_001354899.2); c.5033A>C, p.Glu1678Ala (NM_001354900.2); c.4979A>C, p.Glu1660Ala (NM_001354901.2); and 5 more; short protein forms E1719A, E1701A, E1559A, E1436A, E1628A, E1660A, E1694A, E1593A.
Identifiers: ClinVar variation 566362 (VCV000566362.8), dbSNP rs1561598041, ClinGen allele CA16032600.

ClinVar aggregate classification (germline): Uncertain significance (1 of 4 stars; one submission).

Conditions:
Familial adenomatous polyposis 1 (FAP1). Also called: FAMILIAL ADENOMATOUS POLYPOSIS 1, ATTENUATED; POLYPOSIS, ADENOMATOUS INTESTINAL. Identifiers: MedGen C2713442, MONDO:0021056, OMIM 175100. Disease mechanism: loss of function.

Submission:

Labcorp Genetics (formerly Invitae), Labcorp
Classification: Uncertain significance for Familial adenomatous polyposis 1. Last evaluated: 2021-12-08. Review status: criteria provided, single submitter. Criteria: Invitae Variant Classification Sherloc (09022015). Collection method: clinical testing. Allele origin: germline.
Comment: This sequence change replaces glutamic acid, which is acidic and polar, with alanine, which is neutral and non-polar, at codon 1719 of the APC protein (p.Glu1719Ala). This variant is not present in population databases (gnomAD no frequency). This variant has not been reported in the literature in individuals affected with APC-related conditions. ClinVar contains an entry for this variant (Variation ID: 566362). Algorithms developed to predict the effect of missense changes on protein structure and function (SIFT, PolyPhen-2, Align-GVGD) all suggest that this variant is likely to be disruptive. In summary, the available evidence is currently insufficient to determine the role of this variant in disease. Therefore, it has been classified as a Variant of Uncertain Significance.